The following is an entry in ClinVar:

ClinVar aggregate classification (germline): Uncertain significance (1 of 4 stars; one submission).

Conditions:
NPR2-related disorder. Also called: NPR2-related condition; NPR2-related disorders.

gnomAD v4.1: 20 of 1,612,386 alleles (0.0012%); highest among the groups gnomAD compares: Non-Finnish European, 0.0015%; no homozygotes.

Submission:

PreventionGenetics, part of Exact Sciences
Classification: Uncertain significance for NPR2-related condition. Last evaluated: 2025-04-02. Review status: criteria provided, single submitter. Criteria: ACMG Guidelines, 2015. Collection method: clinical testing. Allele origin: germline.
Comment: The NPR2 c.1858C>T variant is predicted to result in the amino acid substitution p.Arg620Cys. To our knowledge, this variant has not been reported in the literature. An alternate missense change at the same amino acid residue (p.Arg620His) has been reported in an individual with short stature and nonspecific skeletal abnormalities (Supplemental Table 1, Lv et al. 2021. PubMed ID: 34557487). This variant is reported in 0.00088% of alleles in individuals of European (Non-Finnish) descent in gnomAD. At this time, the clinical significance of this variant is uncertain due to the absence of conclusive functional and genetic evidence.

NM_003995.4(NPR2):c.1858C>T (p.Arg620Cys)

Gene: NPR2 (natriuretic peptide receptor 2; plus strand). Cytogenetic location: 9p13.3.
Variant type: single nucleotide variant.
Coding change: c.1858C>T on transcript NM_003995.4 (MANE Select); coding-DNA position 1858, C replaced by T.
Protein change: p.Arg620Cys; replaces arginine 620 with cysteine.
Molecular consequence: missense variant.
Genome position (GRCh38, 1-based): chr9:35,802,774, C>T. VCF-style: chr9-35802774-C-T. GRCh37 (hg19) VCF-style: chr9-35802771-C-T.
Other names: c.1867C>T, p.Arg623Cys (NM_001378923.1); short protein forms R623C, R620C.
Identifiers: ClinVar variation 4987594 (VCV004987594.1).